The following is an entry in ClinVar:

ClinVar aggregate classification (germline): Uncertain significance (1 of 4 stars; one submission).

Conditions:
Hereditary cancer-predisposing syndrome. Also called: Neoplastic Syndromes, Hereditary; Tumor predisposition; Hereditary Cancer Syndrome; Hereditary neoplastic syndrome. Identifiers: Orphanet 140162, MedGen C0027672, MeSH D009386, MONDO:0015356.

Submission:

Ambry Genetics
Classification: Uncertain significance for Hereditary cancer-predisposing syndrome. Last evaluated: 2026-01-06. Review status: criteria provided, single submitter. Criteria: Ambry Variant Classification Scheme 2023. Collection method: clinical testing. Allele origin: germline.
Comment: The c.64-3C>G intronic variant results from a C to G substitution 3 nucleotides upstream from coding exon 2 in the SDHA gene. In silico splice site analysis predicts that this alteration may weaken the native splice acceptor site and may result in the creation or strengthening of a novel splice acceptor site; however, direct evidence is insufficient at this time (Ambry internal data). Based on the available evidence, the clinical significance of this variant remains unclear.

NM_004168.4(SDHA):c.64-3C>G

Gene: SDHA (succinate dehydrogenase complex flavoprotein subunit A; plus strand). Cytogenetic location: 5p15.33.
Variant type: single nucleotide variant.
Coding change: c.64-3C>G on transcript NM_004168.4 (MANE Select); 3 bases into the intron before coding-DNA position 64, C replaced by G.
Molecular consequence: intron variant.
Genome position (GRCh38, 1-based): chr5:223,479, C>G. VCF-style: chr5-223479-C-G. GRCh37 (hg19) VCF-style: chr5-223594-C-G.
Other names: c.64-3C>G (NM_001330758.2, NM_001294332.2).
Identifiers: ClinVar variation 4843552 (VCV004843552.1).